The following is an entry in ClinVar:

NM_015335.5(MED13L):c.1022G>A (p.Gly341Asp)

Gene: MED13L (mediator complex subunit 13L; minus strand). Cytogenetic location: 12q24.21.
Variant type: single nucleotide variant.
Coding change: c.1022G>A on transcript NM_015335.5 (MANE Select); coding-DNA position 1022, G replaced by A.
Protein change: p.Gly341Asp; replaces glycine 341 with aspartic acid.
Molecular consequence: missense variant.
Genome position (GRCh38, 1-based): chr12:116,015,262, C>T on the plus strand (G>A on the coding strand, the complement: MED13L is on the minus strand). VCF-style: chr12-116015262-C-T. GRCh37 (hg19) VCF-style: chr12-116453067-C-T.
Other names: short protein forms G341D.
Identifiers: ClinVar variation 4752961 (VCV004752961.1).
Genomic context (GRCh38, chr12:116,015,262, plus strand): 5'-CTGTGCATCGTTATCATCCCTCCATCTTGGGAAACCAGGTGACTGGCAGCACTCTGCATA[C>T]CTCCACTCTCACCTGAAAAAAAAGGCAATTTGGAATGTTAGGATTTTCTGAAAAGGTTTC-3'
Protein context (NP_056150.1, residues 331-351): PEQAILGESG[Gly341Asp]MQSAASHLVS

ClinVar aggregate classification (germline): Uncertain significance (1 of 4 stars; one submission).

Conditions:
Dextro-looped transposition of the great arteries. Also called: Dextrotransposition of the great arteries. Identifiers: Orphanet 860, MedGen C3531771, MONDO:0019443, OMIM 608808, HP:0031348.

gnomAD v4.1: 1 of 1,613,788 alleles (0.000062%); highest among the groups gnomAD compares: Non-Finnish European, 0.000085%; no homozygotes.

Submission:

Labcorp Genetics (formerly Invitae), Labcorp
Classification: Uncertain significance for Dextro-looped transposition of the great arteries. Last evaluated: 2025-11-09. Review status: criteria provided, single submitter. Criteria: Invitae Variant Classification Sherloc (09022015). Collection method: clinical testing. Allele origin: germline.
Comment: This sequence change replaces glycine, which is neutral and non-polar, with aspartic acid, which is acidic and polar, at codon 341 of the MED13L protein (p.Gly341Asp). This variant is not present in population databases (gnomAD no frequency). This variant has not been reported in the literature in individuals affected with MED13L-related conditions. Invitae Evidence Modeling of protein sequence and biophysical properties (such as structural, functional, and spatial information, amino acid conservation, physicochemical variation, residue mobility, and thermodynamic stability) indicates that this missense variant is not expected to disrupt MED13L protein function with a negative predictive value of 80%. In summary, the available evidence is currently insufficient to determine the role of this variant in disease. Therefore, it has been classified as a Variant of Uncertain Significance.